The following is an entry in ClinVar:

NM_015978.3(TNNI3K):c.1879-5T>A

Genes: FPGT-TNNI3K (FPGT-TNNI3K readthrough; plus strand), TNNI3K (TNNI3 interacting kinase; plus strand). Cytogenetic location: 1p31.1.
Variant type: single nucleotide variant.
Coding change: c.1879-5T>A on transcript NM_015978.3 (MANE Select); 5 bases into the intron before coding-DNA position 1879, T replaced by A.
Molecular consequence: intron variant.
Genome position (GRCh38, 1-based): chr1:74,439,485, T>A. VCF-style: chr1-74439485-T-A. GRCh37 (hg19) VCF-style: chr1-74905169-T-A.
Other names: c.2182-5T>A (NM_001112808.3, NM_001199327.2).
Identifiers: ClinVar variation 2011408 (VCV002011408.4), dbSNP rs1666280144, ClinGen allele CA1176163875.

ClinVar aggregate classification (germline): Uncertain significance (1 of 4 stars; one submission).

Submission:

Labcorp Genetics (formerly Invitae), Labcorp
Classification: Uncertain significance. Last evaluated: 2022-06-27. Review status: criteria provided, single submitter. Criteria: Invitae Variant Classification Sherloc (09022015). Collection method: clinical testing. Allele origin: germline.
Comment: In summary, the available evidence is currently insufficient to determine the role of this variant in disease. Therefore, it has been classified as a Variant of Uncertain Significance. Algorithms developed to predict the effect of sequence changes on RNA splicing suggest that this variant may disrupt the consensus splice site. This variant has not been reported in the literature in individuals affected with TNNI3K-related conditions. This variant is not present in population databases (gnomAD no frequency). This sequence change falls in intron 19 of the TNNI3K gene. It does not directly change the encoded amino acid sequence of the TNNI3K protein.